The following is an entry in ClinVar:

NM_015346.4(ZFYVE26):c.5386del (p.Glu1796fs)

Gene: ZFYVE26 (zinc finger FYVE-type containing 26; minus strand). Cytogenetic location: 14q24.1.
Variant type: Deletion.
Coding change: c.5386del on transcript NM_015346.4 (MANE Select); coding-DNA position 5386, one base deleted (G; older notation c.5386delG).
Protein change: p.Glu1796fs; shifts the reading frame from glutamic acid 1796.
Molecular consequence: frameshift variant.
Genome position (GRCh38, 1-based): chr14:67,772,145, C deleted on the plus strand (G on the coding strand, the reverse complement: ZFYVE26 is on the minus strand); the first of 2 consecutive C bases (chr14:67,772,145-67,772,146); deleting either gives the same sequence. VCF-style (leftmost placement, unchanged base first): chr14-67772144-TC-T. GRCh37 (hg19) VCF-style: chr14-68238861-TC-T.
Other names: short protein forms E1796fs.
Identifiers: ClinVar variation 5013558 (VCV005013558.1).
Genomic context (GRCh38, chr14:67,772,144, plus strand): 5'-CTCTCAGTCTCATCCGGTACCCACTGGTGCCTGGCAGGGGGTGTCGCTGGGGGCACAAAT[TC>T]CTGTGAGGGCTGGGTTGGTGGGAAACTCCTTTCCCTTAGACTAGGGGAATGTATACTGGA-3'

ClinVar aggregate classification (germline): Pathogenic (1 of 4 stars; one submission).

Conditions:
Hereditary spastic paraplegia 15 (SPG15). Also called: SPASTIC PARAPLEGIA 15, AUTOSOMAL RECESSIVE; KJELLIN SYNDROME; SPASTIC PARAPLEGIA AND RETINAL DEGENERATION. Identifiers: Orphanet 100996, MedGen C1849128, MONDO:0010044, OMIM 270700.

Submission:

Myriad Genetics, Inc.
Classification: Pathogenic for Hereditary spastic paraplegia 15. Last evaluated: 2024-09-17. Review status: criteria provided, single submitter. Criteria: Myriad Autosomal Dominant, Autosomal Recessive and X-Linked Classification Criteria (2023). Collection method: clinical testing. Allele origin: unknown.
Comment: NM_015346.3(ZFYVE26):c.5386delG(E1796Nfs*46) is expected to be pathogenic in the context of spastic paraplegia type 15. This variant is predicted to lead to an abnormal or absent protein product due to the creation of a premature termination codon in ZFYVE26, a gene where loss-of-function variants are known to be pathogenic. Please note: this variant was assessed in the context of healthy population screening.